The following is an entry in ClinVar:

NM_004655.4(AXIN2):c.1250C>T (p.Ala417Val)

Gene: AXIN2 (axin 2; minus strand). Cytogenetic location: 17q24.1.
Variant type: single nucleotide variant.
Coding change: c.1250C>T on transcript NM_004655.4 (MANE Select); coding-DNA position 1250, C replaced by T.
Protein change: p.Ala417Val; replaces alanine 417 with valine.
Molecular consequence: missense variant.
Genome position (GRCh38, 1-based): chr17:65,537,786, G>A on the plus strand (C>T on the coding strand, the complement: AXIN2 is on the minus strand). VCF-style: chr17-65537786-G-A. GRCh37 (hg19) VCF-style: chr17-63533904-G-A.
Other names: p.A417V:GCG>GTG; p.Ala417Val; c.1250C>T, p.Ala417Val (NM_001363813.1); c.1250C>T (LRG_296t1); short protein forms A417V.
Identifiers: ClinVar variation 136478 (VCV000136478.56), dbSNP rs201460658, ClinGen allele CA289626.

ClinVar aggregate classification (germline): Benign/Likely benign. Review status: criteria provided, multiple submitters, no conflicts (2 of 4 stars). 16 submissions from 16 submitters: Benign (8); Likely benign (8). Last evaluated 2026-02-03.

Conditions:
Hereditary cancer-predisposing syndrome. Also called: Tumor predisposition; Hereditary neoplastic syndrome; Hereditary Cancer Syndrome; Neoplastic Syndromes, Hereditary. Identifiers: Orphanet 140162, MedGen C0027672, MeSH D009386, MONDO:0015356.
Oligodontia-cancer predisposition syndrome. Also called: TOOTH AGENESIS-COLORECTAL CANCER SYNDROME. Identifiers: Orphanet 300576, MedGen C1837750, MONDO:0012075, OMIM 608615. Disease mechanism: loss of function.

Allele frequency attached by ClinVar (database versions not stated): gnomAD 0.00064 and 0.00086; TOPMed 0.00102; gnomAD exomes 0.00198; 1000 Genomes Project 30x 0.00344; 1000 Genomes Project 0.00359; ExAC 0.00447.
gnomAD v4.1: 1,018 of 1,586,630 alleles (0.064%); highest among the groups gnomAD compares: East Asian, 1.9%; 5 homozygotes.

Submissions (16):

Labcorp Genetics (formerly Invitae), Labcorp
Classification: Benign for Oligodontia-cancer predisposition syndrome. Last evaluated: 2026-02-03. Review status: criteria provided, single submitter. Criteria: Invitae Variant Classification Sherloc (09022015). Collection method: clinical testing. Allele origin: germline.

Quest Diagnostics Nichols Institute San Juan Capistrano
Classification: Benign. Last evaluated: 2025-08-08. Review status: criteria provided, single submitter. Criteria: Quest Diagnostics criteria. Collection method: clinical testing. Allele origin: unknown.

ARUP Laboratories, Molecular Genetics and Genomics, ARUP Laboratories
Classification: Likely benign. Last evaluated: 2025-06-26. Review status: criteria provided, single submitter. Criteria: ARUP Molecular Germline Variant Investigation Process 2024. Collection method: clinical testing. Allele origin: germline.

Mayo Clinic Laboratories, Mayo Clinic
Classification: Likely benign. Last evaluated: 2025-05-28. Review status: criteria provided, single submitter. Criteria: ACMG Guidelines, 2015. Collection method: clinical testing. Allele origin: germline. Observed: 1 variant allele.
Comment: BS1, BP4

Center for Genomic Medicine, Rigshospitalet, Copenhagen University Hospital
Classification: Benign. Last evaluated: 2025-03-04. Review status: criteria provided, single submitter. Criteria: ACMG Guidelines, 2015. Collection method: clinical testing. Allele origin: germline.

Blueprint Genetics
Classification: Likely benign. Last evaluated: 2024-05-22. Review status: criteria provided, single submitter. Criteria: ACMG Guidelines, 2015. Collection method: clinical testing. Allele origin: germline.

CeGaT Center for Human Genetics Tuebingen
Classification: Likely benign. Last evaluated: 2024-01-01. Review status: criteria provided, single submitter. Criteria: CeGaT Center For Human Genetics Tuebingen Variant Classification Criteria Version 2. Collection method: clinical testing. Allele origin: germline. Affected: yes. Observed: 1 variant allele.
Comment: AXIN2: BP1, BP4, BS1:Supporting

Department of Pathology and Laboratory Medicine, Sinai Health System
Classification: Benign for Oligodontia-cancer predisposition syndrome. Last evaluated: 2023-09-25. Review status: criteria provided, single submitter. Criteria: ACMG Guidelines, 2015. Collection method: clinical testing. Allele origin: germline. Affected: yes.

KCCC/NGS Laboratory, Kuwait Cancer Control Center
Classification: Benign for Oligodontia-cancer predisposition syndrome. Last evaluated: 2023-07-07. Review status: criteria provided, single submitter. Criteria: ACMG Guidelines, 2015. Collection method: clinical testing. Allele origin: germline. Affected: yes.

Women's Health and Genetics/Laboratory Corporation of America, LabCorp
Classification: Likely benign. Last evaluated: 2021-10-02. Review status: criteria provided, single submitter. Criteria: LabCorp Variant Classification Summary - May 2015. Collection method: clinical testing. Allele origin: germline.

Sema4
Classification: Benign for Hereditary cancer-predisposing syndrome. Last evaluated: 2020-07-31. Review status: criteria provided, single submitter. Criteria: Sema4 Curation Guidelines. Collection method: curation. Allele origin: germline.

Ambry Genetics
Classification: Likely benign for Hereditary cancer-predisposing syndrome. Last evaluated: 2018-11-01. Review status: criteria provided, single submitter. Criteria: Ambry Variant Classification Scheme 2023. Collection method: clinical testing. Allele origin: germline.

Illumina Laboratory Services, Illumina
Classification: Benign for Oligodontia-cancer predisposition syndrome. Last evaluated: 2018-01-12. Review status: criteria provided, single submitter. Criteria: ICSL Variant Classification Criteria 13 December 2019. Collection method: clinical testing. Allele origin: germline.
Comment: This variant was observed in the ICSL laboratory as part of a predisposition screen in an ostensibly healthy population. It had not been previously curated by ICSL or reported in the Human Gene Mutation Database (HGMD: prior to June 1st, 2018), and was therefore a candidate for classification through an automated scoring system. Utilizing variant allele frequency, disease prevalence and penetrance estimates, and inheritance mode, an automated score was calculated to assess if this variant is too frequent to cause the disease. Based on the score and internal cut-off values, a variant classified as benign is not then subjected to further curation. The score for this variant resulted in a classification of benign for this disease.

Vantari Genetics
Classification: Likely benign for Hereditary cancer-predisposing syndrome. Last evaluated: 2016-01-22. Review status: criteria provided, single submitter. Criteria: ACMG Guidelines, 2015. Collection method: clinical testing. Allele origin: germline.

GeneDx
Classification: Benign. Last evaluated: 2014-05-12. Review status: criteria provided, single submitter. Criteria: GeneDx Variant Classification (06012015). Collection method: clinical testing. Allele origin: germline. Affected: yes.
Comment: This variant is considered likely benign or benign based on one or more of the following criteria: it is a conservative change, it occurs at a poorly conserved position in the protein, it is predicted to be benign by multiple in silico algorithms, and/or has population frequency not consistent with disease.

Breakthrough Genomics
Classification: Likely benign. Review status: criteria provided, single submitter. Criteria: ACMG Guidelines, 2015. Collection method: not provided. Allele origin: germline. Inheritance: Autosomal dominant inheritance. Affected: yes.

Literature cited by the submitters: PubMed 31769227 (cited by Quest Diagnostics Nichols Institute San Juan Capistrano); PubMed 28265457 (cited by Quest Diagnostics Nichols Institute San Juan Capistrano).